The following is an entry in ClinVar:

ClinVar aggregate classification (germline): Uncertain significance (1 of 4 stars; one submission).

Conditions:
Intellectual developmental disorder, autosomal dominant 72 (MRD72). Identifiers: Orphanet 652487, MedGen C5830612, MONDO:0957397, OMIM 620439.

gnomAD v4.1: 1 of 1,611,730 alleles (0.000062%); highest among the groups gnomAD compares: Non-Finnish European, 0.000085%; no homozygotes.

Submission:

Laboratorio de Genetica e Diagnostico Molecular, Hospital Israelita Albert Einstein
Classification: Uncertain significance for Intellectual developmental disorder, autosomal dominant 72. Last evaluated: 2024-07-03. Review status: criteria provided, single submitter. Criteria: ACMG Guidelines, 2015. Collection method: clinical testing. Allele origin: germline. Affected: yes.
Comment: ACMG classification criteria: PM2 supporting, BP4 supporting

NM_016333.4(SRRM2):c.7916C>T (p.Ser2639Leu)

Gene: SRRM2 (serine/arginine repetitive matrix 2; plus strand). Cytogenetic location: 16p13.3.
Variant type: single nucleotide variant.
Coding change: c.7916C>T on transcript NM_016333.4 (MANE Select); coding-DNA position 7916, C replaced by T.
Protein change: p.Ser2639Leu; replaces serine 2639 with leucine.
Molecular consequence: missense variant.
Genome position (GRCh38, 1-based): chr16:2,769,179, C>T. VCF-style: chr16-2769179-C-T. GRCh37 (hg19) VCF-style: chr16-2819180-C-T.
Other names: short protein forms S2639L.
Identifiers: ClinVar variation 4076226 (VCV004076226.1).